The following is an entry in ClinVar:

NM_014855.3(AP5Z1):c.1135G>A (p.Glu379Lys)

Gene: AP5Z1 (adaptor related protein complex 5 subunit zeta 1; plus strand). Cytogenetic location: 7p22.1.
Variant type: single nucleotide variant.
Coding change: c.1135G>A on transcript NM_014855.3 (MANE Select); coding-DNA position 1135, G replaced by A.
Protein change: p.Glu379Lys; replaces glutamic acid 379 with lysine.
Molecular consequence: missense variant. On other transcripts: non-coding transcript variant (1).
Genome position (GRCh38, 1-based): chr7:4,786,252, G>A. VCF-style: chr7-4786252-G-A. GRCh37 (hg19) VCF-style: chr7-4825883-G-A.
Other names: c.667G>A, p.Glu223Lys (NM_001364858.1); short protein forms E223K, E379K.
Identifiers: ClinVar variation 1163466 (VCV001163466.11), dbSNP rs772831449, ClinGen allele CA4137656.

ClinVar aggregate classification (germline): Uncertain significance. Review status: criteria provided, multiple submitters, no conflicts (2 of 4 stars). 3 submissions from 3 submitters: Uncertain significance (3). Last evaluated 2025-06-16.

Conditions:
Inborn genetic diseases. Identifiers: MedGen C0950123, MeSH D030342.
Hereditary spastic paraplegia 48. Also called: SPASTIC PARAPLEGIA 48, AUTOSOMAL RECESSIVE; Spastic paraplegia 48. Identifiers: Orphanet 306511, MedGen C3150901, MONDO:0013342, OMIM 613647.

Allele frequency attached by ClinVar (database versions not stated): TOPMed below 0.00001; ExAC 0.00001; gnomAD exomes 0.00001.
gnomAD v4.1: 8 of 1,601,760 alleles (0.0005%); highest among the groups gnomAD compares: Non-Finnish European, 0.00068%; no homozygotes.

Submissions (3):

Labcorp Genetics (formerly Invitae), Labcorp
Classification: Uncertain significance for Hereditary spastic paraplegia 48. Last evaluated: 2025-06-16. Review status: criteria provided, single submitter. Criteria: Invitae Variant Classification Sherloc (09022015). Collection method: clinical testing. Allele origin: germline.
Comment: This sequence change replaces glutamic acid, which is acidic and polar, with lysine, which is basic and polar, at codon 379 of the AP5Z1 protein (p.Glu379Lys). This variant is present in population databases (rs772831449, gnomAD 0.007%). This variant has not been reported in the literature in individuals affected with AP5Z1-related conditions. ClinVar contains an entry for this variant (Variation ID: 1163466). An algorithm developed to predict the effect of missense changes on protein structure and function (PolyPhen-2) suggests that this variant is likely to be tolerated. In summary, the available evidence is currently insufficient to determine the role of this variant in disease. Therefore, it has been classified as a Variant of Uncertain Significance.

Ambry Genetics
Classification: Uncertain significance for Inborn genetic diseases. Last evaluated: 2022-11-09. Review status: criteria provided, single submitter. Criteria: Ambry Variant Classification Scheme 2023. Collection method: clinical testing. Allele origin: germline.

Mayo Clinic Laboratories, Mayo Clinic
Classification: Uncertain significance. Last evaluated: 2019-11-18. Review status: criteria provided, single submitter. Criteria: ACMG Guidelines, 2015. Collection method: clinical testing. Allele origin: germline. Observed: 1 variant allele.